The following is an entry in ClinVar:

ClinVar aggregate classification (germline): Uncertain significance (1 of 4 stars; one submission).

Conditions:
Neuromuscular disease caused by qualitative or quantitative defects of dysferlin. Also called: Qualitative or quantitative defects of dysferlin; Dysferlinopathy. Identifiers: Orphanet 207073, MedGen C2931687, MONDO:0016145.

Allele frequency attached by ClinVar (database versions not stated): TOPMed below 0.00001.

Submission:

Labcorp Genetics (formerly Invitae), Labcorp
Classification: Uncertain significance for Neuromuscular disease caused by qualitative or quantitative defects of dysferlin. Last evaluated: 2022-08-09. Review status: criteria provided, single submitter. Criteria: Invitae Variant Classification Sherloc (09022015). Collection method: clinical testing. Allele origin: germline.
Comment: In summary, the available evidence is currently insufficient to determine the role of this variant in disease. Therefore, it has been classified as a Variant of Uncertain Significance. Advanced modeling of protein sequence and biophysical properties (such as structural, functional, and spatial information, amino acid conservation, physicochemical variation, residue mobility, and thermodynamic stability) performed at Invitae indicates that this missense variant is not expected to disrupt DYSF protein function. This variant has not been reported in the literature in individuals affected with DYSF-related conditions. This variant is not present in population databases (gnomAD no frequency). This sequence change replaces isoleucine, which is neutral and non-polar, with threonine, which is neutral and polar, at codon 308 of the DYSF protein (p.Ile308Thr).

NM_001130987.2(DYSF):c.1019T>C (p.Ile340Thr)

Gene: DYSF (dysferlin; plus strand). Cytogenetic location: 2p13.2.
Variant type: single nucleotide variant.
Coding change: c.1019T>C on transcript NM_001130987.2 (MANE Select); coding-DNA position 1019, T replaced by C.
Protein change: p.Ile340Thr; replaces isoleucine 340 with threonine.
Molecular consequence: missense variant.
Genome position (GRCh38, 1-based): chr2:71,520,194, T>C. VCF-style: chr2-71520194-T-C. GRCh37 (hg19) VCF-style: chr2-71747324-T-C.
Other names: c.926T>C, p.Ile309Thr (NM_001130455.2, NM_001130983.2, NM_001130984.2 and 1 more transcripts); c.923T>C, p.Ile308Thr (NM_001130976.2, NM_001130977.2, NM_001130978.2 and 1 more transcripts); c.1016T>C, p.Ile339Thr (NM_001130979.2, NM_001130980.2, NM_001130981.2); c.1019T>C, p.Ile340Thr (NM_001130982.2, NM_001130985.2); short protein forms I308T, I340T, I339T, I309T.
Identifiers: ClinVar variation 2011549 (VCV002011549.4), dbSNP rs777736197, ClinGen allele CA49762850.